The following is an entry in ClinVar:

ClinVar aggregate classification (germline): Uncertain significance (1 of 4 stars; one submission).

Conditions:
TINF2-related disorder. Also called: TINF2-related condition.

Submission:

PreventionGenetics, part of Exact Sciences
Classification: Uncertain significance for TINF2-related condition. Last evaluated: 2026-08-14. Review status: criteria provided, single submitter. Criteria: ACMG Guidelines, 2015. Collection method: clinical testing. Allele origin: germline.
Comment: The TINF2 c.747C>A variant is predicted to result in the amino acid substitution p.His249Gln. To our knowledge, this variant has not been reported in the literature or in a large population database (gnomAD), indicating this variant is rare. At this time, the clinical significance of this variant is uncertain due to the absence of conclusive functional and genetic evidence.

NM_001099274.3(TINF2):c.747C>A (p.His249Gln)

Gene: TINF2 (TERF1 interacting nuclear factor 2; minus strand). Cytogenetic location: 14q12.
Variant type: single nucleotide variant.
Coding change: c.747C>A on transcript NM_001099274.3 (MANE Select); coding-DNA position 747, C replaced by A.
Protein change: p.His249Gln; replaces histidine 249 with glutamine.
Molecular consequence: missense variant.
Genome position (GRCh38, 1-based): chr14:24,240,733, G>T on the plus strand (C>A on the coding strand, the complement: TINF2 is on the minus strand). VCF-style: chr14-24240733-G-T. GRCh37 (hg19) VCF-style: chr14-24709939-G-T.
Other names: c.642C>A, p.His214Gln (NM_001363668.2); c.747C>A, p.His249Gln (NM_012461.3); short protein forms H214Q, H249Q.
Identifiers: ClinVar variation 4983947 (VCV004983947.1).